The following is an entry in ClinVar:

NM_016203.4(PRKAG2):c.1516G>A (p.Glu506Lys)

Gene: PRKAG2 (protein kinase AMP-activated non-catalytic subunit gamma 2; minus strand). Cytogenetic location: 7q36.1.
Variant type: single nucleotide variant.
Coding change: c.1516G>A on transcript NM_016203.4 (MANE Select); coding-DNA position 1516, G replaced by A.
Protein change: p.Glu506Lys; replaces glutamic acid 506 with lysine.
Molecular consequence: missense variant.
Genome position (GRCh38, 1-based): chr7:151,564,146, C>T on the plus strand (G>A on the coding strand, the complement: PRKAG2 is on the minus strand). VCF-style: chr7-151564146-C-T. GRCh37 (hg19) VCF-style: chr7-151261232-C-T.
Other names: c.1384G>A, p.Glu462Lys (NM_001040633.2, NM_001407024.1); c.1141G>A, p.Glu381Lys (NM_001304527.2, NM_001407029.1); c.793G>A, p.Glu265Lys (NM_001304531.2, NM_001407034.1, NM_001407035.1 and 1 more transcripts); c.1144G>A, p.Glu382Lys (NM_001363698.2, NM_001407028.1); c.1516G>A, p.Glu506Lys (NM_001407021.1); c.1513G>A, p.Glu505Lys (NM_001407022.1, NM_001407023.1); c.1381G>A, p.Glu461Lys (NM_001407026.1, NM_001407027.1); c.1228G>A, p.Glu410Lys (NM_001407030.1); and 6 more; short protein forms E265K, E381K, E409K, E462K, E410K, E264K, E382K, E400K.
Identifiers: ClinVar variation 2735109 (VCV002735109.3), dbSNP rs267606978, ClinGen allele CA370070572.

ClinVar aggregate classification (germline): Pathogenic (1 of 4 stars; one submission).

Conditions:
Lethal congenital glycogen storage disease of heart. Also called: GLYCOGEN STORAGE DISEASE OF HEART; PHOSPHORYLASE KINASE DEFICIENCY OF HEART. Identifiers: Orphanet 439854, MedGen C1849813, MONDO:0009867, OMIM 261740.

Submission:

Labcorp Genetics (formerly Invitae), Labcorp
Classification: Pathogenic for Lethal congenital glycogen storage disease of heart. Last evaluated: 2024-10-21. Review status: criteria provided, single submitter. Criteria: Invitae Variant Classification Sherloc (09022015). Collection method: clinical testing. Allele origin: germline.
Comment: This sequence change replaces glutamic acid, which is acidic and polar, with lysine, which is basic and polar, at codon 506 of the PRKAG2 protein (p.Glu506Lys). This variant is not present in population databases (gnomAD no frequency). This missense change has been observed in individual(s) with PRKAG2-related conditions (PMID: 16716659, 28431061). It has also been observed to segregate with disease in related individuals. Invitae Evidence Modeling of protein sequence and biophysical properties (such as structural, functional, and spatial information, amino acid conservation, physicochemical variation, residue mobility, and thermodynamic stability) has been performed for this missense variant. However, the output from this modeling did not meet the statistical confidence thresholds required to predict the impact of this variant on PRKAG2 protein function. For these reasons, this variant has been classified as Pathogenic.

Literature cited by the submitters: PubMed 16716659; PubMed 28431061.